The following is an entry in ClinVar:

NM_207111.4(RNF216):c.1425G>A (p.Leu475=)

Gene: RNF216 (ring finger protein 216; minus strand). Cytogenetic location: 7p22.1.
Variant type: single nucleotide variant.
Coding change: c.1425G>A on transcript NM_207111.4 (MANE Select); coding-DNA position 1425, G replaced by A.
Protein change: p.Leu475=; no amino-acid change (leucine 475 retained).
Molecular consequence: synonymous variant.
Genome position (GRCh38, 1-based): chr7:5,725,403, C>T on the plus strand (G>A on the coding strand, the complement: RNF216 is on the minus strand). VCF-style: chr7-5725403-C-T. GRCh37 (hg19) VCF-style: chr7-5765034-C-T.
Other names: c.1254G>A, p.Leu418= (NM_207116.3).
Identifiers: ClinVar variation 791283 (VCV000791283.19), dbSNP rs77500990, ClinGen allele CA4148201.

ClinVar aggregate classification (germline): Benign/Likely benign. Review status: criteria provided, multiple submitters, no conflicts (2 of 4 stars). 3 submissions from 3 submitters: Benign (1); Likely benign (2). Last evaluated 2026-01-27.

Allele frequency attached by ClinVar (database versions not stated): gnomAD exomes 0.00059; ExAC 0.00163; 1000 Genomes Project 0.00339; 1000 Genomes Project 30x 0.00344; gnomAD 0.00413 and 0.00444; ESP Exome Variant Server 0.00446; TOPMed 0.00448.
gnomAD v4.1: 1,543 of 1,613,474 alleles (0.096%); highest among the groups gnomAD compares: African/African-American, 1.4%; 7 homozygotes.

Submissions (3):

Labcorp Genetics (formerly Invitae), Labcorp
Classification: Benign. Last evaluated: 2026-01-27. Review status: criteria provided, single submitter. Criteria: Invitae Variant Classification Sherloc (09022015). Collection method: clinical testing. Allele origin: germline.

CeGaT Center for Human Genetics Tuebingen
Classification: Likely benign. Last evaluated: 2025-07-01. Review status: criteria provided, single submitter. Criteria: CeGaT Center For Human Genetics Tuebingen Variant Classification Criteria Version 2. Collection method: clinical testing. Allele origin: germline. Affected: yes. Observed: 1 variant allele.
Comment: RNF216: BP4, BP7, BS1

Blueprint Genetics
Classification: Likely benign. Last evaluated: 2024-11-17. Review status: criteria provided, single submitter. Criteria: ACMG Guidelines, 2015. Collection method: clinical testing. Allele origin: germline.